The following is an entry in ClinVar:

ClinVar aggregate classification (germline): Conflicting classifications of pathogenicity. Review status: criteria provided, conflicting classifications (1 of 4 stars). 5 submissions from 5 submitters: Pathogenic (3); Likely pathogenic (1); Uncertain significance (1). Last evaluated 2026-05-01.

Conditions:
Genitopatellar syndrome (GTPTS). Also called: ABSENT PATELLAE, SCROTAL HYPOPLASIA, RENAL ANOMALIES, FACIAL DYSMORPHISM, AND MENTAL RETARDATION; Genitopatellar syndrome (GPS). Identifiers: Orphanet 85201, MedGen C1853566, MONDO:0011640, OMIM 606170.
Autosomal dominant KAT6B-related disorders.

Allele frequency attached by ClinVar (database versions not stated): gnomAD exomes below 0.00001.
gnomAD v4.1: 1 of 1,614,078 alleles (0.000062%); highest among the groups gnomAD compares: South Asian, 0.0011%; no homozygotes.

Submissions (5):

CeGaT Center for Human Genetics Tuebingen
Classification: Pathogenic. Last evaluated: 2026-05-01. Review status: criteria provided, single submitter. Criteria: CeGaT Center For Human Genetics Tuebingen Variant Classification Criteria Version 2. Collection method: clinical testing. Allele origin: germline. Affected: yes. Observed: 1 variant allele.
Comment: KAT6B: PVS1, PM2

Women's Health and Genetics/Laboratory Corporation of America, LabCorp
Classification: Uncertain significance. Last evaluated: 2023-08-01. Review status: criteria provided, single submitter. Criteria: LabCorp Variant Classification Summary - May 2015. Collection method: clinical testing. Allele origin: germline.
Comment: Variant summary: KAT6B c.1864C>T (p.Arg622X) results in a premature termination codon, predicted to cause absence of the protein due to nonsense mediated decay (NMD), which is a commonly known mechanism for disease. The variant allele was found at a frequency of 4e-06 in 250026 control chromosomes (gnomAD). To our knowledge, no occurrence of c.1864C>T in individuals affected with KAT6B-Related Spectrum Disorders and no experimental evidence demonstrating its impact on protein function have been reported in the literature. Notably, of the multiple cases of KAT6B-Related Spectrum Disorders, the majority of Genitopatellar syndrome-causing variants are located in the proximal portion of the last exon (exon 18) and are not antcipated to undergo NMD, whereas loss of function variants associated with Say-Barber-Biesecker-Young-Simpson syndrome (SBBYSS) are found throughout the gene, are thought to lead to NMD and haploinsufficiency, and typically more proximal variants tend to have a more mild or atypical clinical presentation (ClinGen, PMID: 32424177). Two submitters have cited clinical-significance assessments for this variant to ClinVar after 2014, including one who cited internal data of a de novo occurrence, and both classified the variant as pathogenic. Based on the evidence outlined above, the variant was classified as VUS-possibly pathogenic.

Neuberg Centre For Genomic Medicine, NCGM
Classification: Likely pathogenic for Genitopatellar syndrome. Last evaluated: 2023-05-20. Review status: criteria provided, single submitter. Criteria: ACMG Guidelines, 2015. Collection method: clinical testing. Allele origin: germline. Inheritance: Autosomal dominant inheritance. Affected: yes.
Comment: The observed stop gained c.1864C>T(p.Arg622Ter) variant in KAT6B gene has not been reported previously as a pathogenic variant nor as a benign variant, to our knowledge. This variant is reported with the allele frequency of 0.0004% in the gnomAD Exomes. This variant has been reported to the ClinVar database as Pathogenic. This variant is predicted to cause loss of normal protein function either through protein truncation or nonsense-mediated mRNA decay. Loss of function variants, de novo heterozygous truncating mutations in KAT6B, have been previously reported to be disease causing (Campeau et al., 2012). Computational evidence (MutationTaster - Disease causing) predicts damaging effect on protein structure and function for this variant. For these reasons, this variant has been classified as Likely Pathogenic.

GeneDx
Classification: Pathogenic. Last evaluated: 2022-12-01. Review status: criteria provided, single submitter. Criteria: GeneDx Variant Classification Process June 2021. Collection method: clinical testing. Allele origin: germline. Affected: yes.
Comment: Nonsense variant predicted to result in protein truncation or nonsense mediated decay in a gene for which loss-of-function is a known mechanism of disease; Has not been previously published as pathogenic or benign to our knowledge; This variant is associated with the following publications: (PMID: 27535533)

Rady Children's Institute for Genomic Medicine, Rady Children's Hospital San Diego
Classification: Pathogenic for Autosomal dominant KAT6B-related disorders. Last evaluated: 2019-03-01. Review status: criteria provided, single submitter. Criteria: ACMG Guidelines, 2015. Collection method: clinical testing. Allele origin: germline. Affected: yes. Observed: 1 variant allele.
Comment: This nonsense variant found in exon 8 of 18 is predicted to result in loss of normal protein function. This variant has not been previously reported or functionally characterized in the literature to our knowledge. It is present in the heterozygous state in the gnomAD population database at a frequency of 0.0004% (1/245810), but absent from the control cohort in gnomAD, and thus is presumed to be rare. The KAT6B gene is intolerant to loss of function variants with a pLI score of 1. Analysis of the parental samples was negative for the variant, indicating this variant likely occurred as a de novo event. Based on the available evidence, the c.1864C>T, p.Arg622Ter variant is classified as Pathogenic.

NM_012330.4(KAT6B):c.1864C>T (p.Arg622Ter)

Gene: KAT6B (lysine acetyltransferase 6B; plus strand). Cytogenetic location: 10q22.2.
Variant type: single nucleotide variant.
Coding change: c.1864C>T on transcript NM_012330.4 (MANE Select); coding-DNA position 1864, C replaced by T.
Protein change: p.Arg622Ter; replaces arginine 622 with a stop codon.
Molecular consequence: nonsense. On other transcripts: intron variant (13).
Genome position (GRCh38, 1-based): chr10:74,976,201, C>T. VCF-style: chr10-74976201-C-T. GRCh37 (hg19) VCF-style: chr10-76735959-C-T.
Other names: c.1864C>T, p.Arg622Ter (NM_001370136.1, NM_001370137.1); c.1117+747C>T (NM_001370139.1, NM_001370140.1, NM_001370141.1 and 3 more transcripts); c.1444+420C>T (NM_001370138.1, NM_001256468.2); c.846+6426C>T (NM_001370133.1); c.193-3023C>T (NM_001370134.1); c.929-1115C>T (NM_001370143.1, NM_001370144.1); c.193-12818C>T (NM_001370135.1); short protein forms R622*.
Identifiers: ClinVar variation 692078 (VCV000692078.6), dbSNP rs1383727273, ClinGen allele CA377288875.